The following is an entry in ClinVar:

ClinVar aggregate classification (germline): Pathogenic (1 of 4 stars; one submission).

Submission:

GeneDx
Classification: Pathogenic. Last evaluated: 2014-06-09. Review status: criteria provided, single submitter. Criteria: GeneDx Variant Classification (06012015). Collection method: clinical testing. Allele origin: germline. Affected: yes.
Comment: Although the c.5957dupC variant in the FBN1 gene has not been reported to our knowledge, this variant causes a shift in reading frame starting at codon Glycine 1987, changing it to an Aginine, and creating a premature stop codon at position 23 of the new reading frame, denoted p.Gly1987ArgfsX23. This variant is expected to result in either an abnormal, truncated protein product or loss of protein from this allele through nonsense-mediated mRNA decay. Other frameshift variants in the FBN1 gene have been reported in association with Marfan syndrome. In summary, c.5957dupC in the FBN1 gene is interpreted as a pathogenic variant.

NM_000138.5(FBN1):c.5957dup (p.Gly1987fs)

Gene: FBN1 (fibrillin 1; minus strand). Cytogenetic location: 15q21.1.
Variant type: Duplication.
Coding change: c.5957dup on transcript NM_000138.5 (MANE Select); coding-DNA position 5957, one base duplicated (C; older notation c.5957dupC).
Protein change: p.Gly1987fs; shifts the reading frame from glycine 1987.
Molecular consequence: frameshift variant.
Genome position (GRCh38, 1-based): chr15:48,444,621, G duplicated on the plus strand (C on the coding strand, the reverse complement: FBN1 is on the minus strand); the first of 2 consecutive G bases (chr15:48,444,621-48,444,622); duplicating either gives the same sequence. VCF-style (leftmost placement, unchanged base first): chr15-48444620-T-TG. GRCh37 (hg19) VCF-style: chr15-48736817-T-TG.
Other names: c.5957dupC (NM_000138.4); short protein forms G1987fs.
Identifiers: ClinVar variation 200165 (VCV000200165.2), dbSNP rs794728313, ClinGen allele CA304349.